The following is an entry in ClinVar:

ClinVar aggregate classification (germline): Likely pathogenic. Review status: criteria provided, multiple submitters, no conflicts (2 of 4 stars). 2 submissions from 2 submitters: Likely pathogenic (2). Last evaluated 2022-02-11.

Conditions:
Dystonia 12 (DYT12). Also called: DYT-ATP1A3; Rapid-Onset Dystonia-Parkinsonism (RDP). Identifiers: Orphanet 71517, MedGen C1868681, MONDO:0007496, OMIM 128235.

Submissions (2):

Centre of Medical Genetics, University Hospital Muenster
Classification: Likely pathogenic for Dystonia 12. Last evaluated: 2022-02-11. Review status: criteria provided, single submitter. Criteria: ACMG Guidelines, 2015. Collection method: clinical testing. Allele origin: de novo. Affected: yes. Observed: 1 variant allele, 1 heterozygote.
Comment: ACMG categories: PS1,PS2

GeneDx
Classification: Likely pathogenic. Last evaluated: 2016-06-24. Review status: criteria provided, single submitter. Criteria: GeneDx Variant Classification (06012015). Collection method: clinical testing. Allele origin: germline. Affected: yes.
Comment: The c.3972 G>A variant in the SCN2A gene has not been reported previously as a pathogenic variant nor as a benign variant, to our knowledge. This variant was not observed in approximately 6500 individuals of European and African American ancestry in the NHLBI Exome Sequencing Project, indicating it is not a common benign variant in these populations. Several in-silico splice prediction models suggest that c.3972 G>A may damage the natural splice donor site of intron 21 and result in abnormal gene splicing; however, in the absence of RNA/functional studies, the actual effect of this sequence change is unknown. The c.3972 G>A variant is a strong candidate for a pathogenic variant, however the possibility it may be a rare benign variant cannot be excluded.

NM_001040142.2(SCN2A):c.3972G>A (p.Arg1324=)

Gene: SCN2A (sodium voltage-gated channel alpha subunit 2; plus strand). Cytogenetic location: 2q24.3.
Variant type: single nucleotide variant.
Coding change: c.3972G>A on transcript NM_001040142.2 (MANE Select); coding-DNA position 3972, G replaced by A.
Protein change: p.Arg1324=; no amino-acid change (arginine 1324 retained).
Molecular consequence: synonymous variant.
Genome position (GRCh38, 1-based): chr2:165,373,347, G>A. VCF-style: chr2-165373347-G-A. GRCh37 (hg19) VCF-style: chr2-166229857-G-A.
Other names: c.3972G>A, p.Arg1324= (NM_001040143.2, NM_001371246.1, NM_001371247.1 and 1 more transcripts).
Identifiers: ClinVar variation 372982 (VCV000372982.4), dbSNP rs1057518117, ClinGen allele CA16042388.
Genomic context (GRCh38, chr2:165,373,347, plus strand): 5'-CCTCAGAACACTAAGAGCTCTGAGGCCACTGAGAGCTTTGTCCCGGTTTGAAGGAATGAG[G>A]GTAAGACTGAATGCCTTAGAGTTTGTCAGAATTATTATTGAGAGCAGACTGACACTTTGT-3'
Protein context (NP_001035232.1, residues 1314-1334): LRALSRFEGM[Arg1324=]VVVNALLGAI